The following is an entry in ClinVar:

ClinVar aggregate classification (germline): Uncertain significance. Review status: criteria provided, multiple submitters, no conflicts (2 of 4 stars). 2 submissions from 2 submitters: Uncertain significance (2). Last evaluated 2022-08-20.

Conditions:
Infantile neuroaxonal dystrophy (NBIA2A). Also called: NEURODEGENERATION WITH BRAIN IRON ACCUMULATION 2A; SEITELBERGER DISEASE; Infantile neuroaxonal dystrophy 1. Identifiers: Orphanet 35069, MedGen C0270724, MONDO:0024457, OMIM 256600.

Allele frequency attached by ClinVar (database versions not stated): gnomAD exomes 0.00001; TOPMed below 0.00001; gnomAD 0.00001.
gnomAD v4.1: 16 of 1,560,440 alleles (0.001%); highest among the groups gnomAD compares: Non-Finnish European, 0.0014%; no homozygotes.

Submissions (2):

Labcorp Genetics (formerly Invitae), Labcorp
Classification: Uncertain significance for Infantile neuroaxonal dystrophy. Last evaluated: 2022-08-20. Review status: criteria provided, single submitter. Criteria: Invitae Variant Classification Sherloc (09022015). Collection method: clinical testing. Allele origin: germline.
Comment: This sequence change replaces methionine, which is neutral and non-polar, with threonine, which is neutral and polar, at codon 326 of the PLA2G6 protein (p.Met326Thr). The frequency data for this variant in the population databases is considered unreliable, as metrics indicate poor data quality at this position in the gnomAD database. This variant has not been reported in the literature in individuals affected with PLA2G6-related conditions. ClinVar contains an entry for this variant (Variation ID: 1329743). Advanced modeling of protein sequence and biophysical properties (such as structural, functional, and spatial information, amino acid conservation, physicochemical variation, residue mobility, and thermodynamic stability) performed at Invitae indicates that this missense variant is not expected to disrupt PLA2G6 protein function. In summary, the available evidence is currently insufficient to determine the role of this variant in disease. Therefore, it has been classified as a Variant of Uncertain Significance.

GeneDx
Classification: Uncertain significance. Last evaluated: 2021-06-22. Review status: criteria provided, single submitter. Criteria: GeneDx Variant Classification Process June 2021. Collection method: clinical testing. Allele origin: germline. Affected: yes.
Comment: Not observed at significant frequency in large population cohorts (Lek et al., 2016); In silico analysis supports that this missense variant does not alter protein structure/function; Has not been previously published as pathogenic or benign to our knowledge

NM_003560.4(PLA2G6):c.977T>C (p.Met326Thr)

Gene: PLA2G6 (phospholipase A2 group VI; minus strand). Cytogenetic location: 22q13.1.
Variant type: single nucleotide variant.
Coding change: c.977T>C on transcript NM_003560.4 (MANE Select); coding-DNA position 977, T replaced by C.
Protein change: p.Met326Thr; replaces methionine 326 with threonine.
Molecular consequence: missense variant.
Genome position (GRCh38, 1-based): chr22:38,132,931, A>G on the plus strand (T>C on the coding strand, the complement: PLA2G6 is on the minus strand). VCF-style: chr22-38132931-A-G. GRCh37 (hg19) VCF-style: chr22-38528938-A-G.
Other names: c.977T>C, p.Met326Thr (NM_001004426.3, NM_001199562.3, NM_001349864.2 and 2 more transcripts); c.443T>C, p.Met148Thr (NM_001349867.2, NM_001349869.2); c.299T>C, p.Met100Thr (NM_001349868.2); short protein forms M100T, M148T, M326T.
Identifiers: ClinVar variation 1329743 (VCV001329743.3), dbSNP rs1364503444, ClinGen allele CA411530808.